The following is an entry in ClinVar:

ClinVar aggregate classification (germline): Uncertain significance (1 of 4 stars; one submission).

Allele frequency attached by ClinVar (database versions not stated): gnomAD exomes below 0.00001; TOPMed below 0.00001; gnomAD 0.00001.
gnomAD v4.1: 3 of 1,613,538 alleles (0.00019%); highest among the groups gnomAD compares: African/African-American, 0.004%; no homozygotes.

Submission:

Ambry Genetics
Classification: Uncertain significance. Last evaluated: 2023-11-08. Review status: criteria provided, single submitter. Criteria: Ambry Variant Classification Scheme 2023. Collection method: clinical testing. Allele origin: germline.
Comment: The p.I1213T variant (also known as c.3638T>C), located in coding exon 16 of the POLQ gene, results from a T to C substitution at nucleotide position 3638. The isoleucine at codon 1213 is replaced by threonine, an amino acid with similar properties. This amino acid position is conserved. In addition, this alteration is predicted to be tolerated by in silico analysis. Since supporting evidence is limited at this time, the clinical significance of this alteration remains unclear.

NM_199420.4(POLQ):c.3638T>C (p.Ile1213Thr)

Gene: POLQ (DNA polymerase theta; minus strand). Cytogenetic location: 3q13.33.
Variant type: single nucleotide variant.
Coding change: c.3638T>C on transcript NM_199420.4 (MANE Select); coding-DNA position 3638, T replaced by C.
Protein change: p.Ile1213Thr; replaces isoleucine 1213 with threonine.
Molecular consequence: missense variant.
Genome position (GRCh38, 1-based): chr3:121,489,293, A>G on the plus strand (T>C on the coding strand, the complement: POLQ is on the minus strand). VCF-style: chr3-121489293-A-G. GRCh37 (hg19) VCF-style: chr3-121208140-A-G.
Other names: short protein forms I1213T.
Identifiers: ClinVar variation 3229952 (VCV003229952.1), dbSNP rs1019821225, ClinGen allele CA81836164.